The following is an entry in ClinVar:

ClinVar aggregate classification (germline): Benign. Review status: criteria provided, single submitter (1 of 4 stars). 2 submissions from 2 submitters: Benign (1). 1 of the submissions does not count toward it. Last evaluated 2020-06-29.

Conditions:
APOA2-related disorder. Also called: APOA2-related condition.

Submissions (2):

Women's Health and Genetics/Laboratory Corporation of America, LabCorp
Classification: Benign. Last evaluated: 2020-06-29. Review status: criteria provided, single submitter. Criteria: LabCorp Variant Classification Summary - May 2015. Collection method: clinical testing. Allele origin: germline.
Comment: Variant summary: APOA2 c.53-7_53-6delTG alters a non-conserved nucleotide located close to a canonical splice site and therefore could affect mRNA splicing, leading to a significantly altered protein sequence. 4/4 computational tools predict no significant impact on normal splicing. However, these predictions have yet to be confirmed by functional studies. The variant allele was found at a frequency of 0.06 in 195520 control chromosomes, predominantly at a frequency of 0.12 within the African or African-American subpopulation in the gnomAD database, including 28 homozygotes. The observed variant frequency within African or African-American control individuals in the gnomAD database is approximately 6000 fold of the estimated maximal expected allele frequency for a pathogenic variant in APOA2 causing Early Onset Coronary Artery Disease phenotype (2e-05), strongly suggesting that the variant is a benign polymorphism found primarily in populations of African or African-American origin. To our knowledge, no occurrence of c.53-7_53-6delTG in individuals affected with Early Onset Coronary Artery Disease and no experimental evidence demonstrating its impact on protein function have been reported. No clinical diagnostic laboratories have submitted clinical-significance assessments for this variant to ClinVar after 2014. Based on the evidence outlined above, the variant was classified as benign.

PreventionGenetics, part of Exact Sciences
Classification: Benign for APOA2-related condition. Last evaluated: 2019-06-11. Review status: no assertion criteria provided. Collection method: clinical testing. Allele origin: germline. Not counted in ClinVar's aggregate classification.
Comment: This variant is classified as benign based on ACMG/AMP sequence variant interpretation guidelines (Richards et al. 2015 PMID: 25741868, with internal and published modifications).

NM_001643.2(APOA2):c.53-43TG[18]

Gene: APOA2 (apolipoprotein A2; minus strand). Cytogenetic location: 1q23.3.
Variant type: Microsatellite.
Coding change: c.53-43TG[18] on transcript NM_001643.2 (MANE Select); 18 copies in a row of the 2-base unit TG starting at c.53-43; the reference has 19 copies in a row; one copy, 2 bases deleted.
Molecular consequence: intron variant.
Genome position (GRCh38, 1-based): chr1:161,223,056-161,223,057, CA deleted on the plus strand (TG on the coding strand, the reverse complement: APOA2 is on the minus strand); deleting any 2 consecutive bases within chr1:161,223,056-161,223,094 gives the same sequence; the position shown is the placement nearest the transcript's 3' end. VCF-style (leftmost placement, unchanged base first): chr1-161223055-CCA-C. GRCh37 (hg19) VCF-style: chr1-161192845-CCA-C.
Identifiers: ClinVar variation 933213 (VCV000933213.3), dbSNP rs17244502, ClinGen allele CA1209152.